The following is an entry in ClinVar:

NM_015021.3(ZNF292):c.3491C>G (p.Ser1164Ter)

Gene: ZNF292 (zinc finger protein 292; plus strand). Cytogenetic location: 6q14.3.
Variant type: single nucleotide variant.
Coding change: c.3491C>G on transcript NM_015021.3 (MANE Select); coding-DNA position 3491, C replaced by G.
Protein change: p.Ser1164Ter; replaces serine 1164 with a stop codon.
Molecular consequence: nonsense.
Genome position (GRCh38, 1-based): chr6:87,257,120, C>G. VCF-style: chr6-87257120-C-G. GRCh37 (hg19) VCF-style: chr6-87966838-C-G.
Other names: c.3071C>G, p.Ser1024Ter (NM_001351444.2); short protein forms S1024*, S1164*.
Identifiers: ClinVar variation 2692576 (VCV002692576.1), dbSNP rs2482314736, ClinGen allele CA364922325.
Genomic context (GRCh38, chr6:87,257,120, plus strand): 5'-ACTTAAATACACCAAATAATGGAAAGTTTGTTTATTTTTTGCCATCACCGGTGAACAGCT[C>G]AAATCCATTTTTTACATCACAGACCAAAGCCAATGGGAATCCTGCTTGTTCGGCCCAGTT-3'

ClinVar aggregate classification (germline): Likely pathogenic (1 of 4 stars; one submission).

Conditions:
Intellectual developmental disorder, autosomal dominant 64. Also called: MENTAL RETARDATION, AUTOSOMAL DOMINANT 64. Identifiers: MedGen C5543067, MONDO:0030934, OMIM 619188.

Submission:

Greenwood Genetic Center Diagnostic Laboratories, Greenwood Genetic Center
Classification: Likely pathogenic for Intellectual developmental disorder, autosomal dominant 64. Last evaluated: 2023-10-26. Review status: criteria provided, single submitter. Criteria: ACMG Guidelines, 2015. Collection method: clinical testing. Allele origin: germline. Affected: yes.
Comment: PVS1, PM2